The following is an entry in ClinVar:

ClinVar aggregate classification (germline): Benign/Likely benign. Review status: criteria provided, multiple submitters, no conflicts (2 of 4 stars). 3 submissions from 3 submitters: Benign (1); Likely benign (2). Last evaluated 2026-01-13.

Conditions:
Juvenile polyposis syndrome (JPS). Identifiers: Orphanet 2929, MedGen C0345893, MONDO:0017380, OMIM 174900.
Hereditary cancer-predisposing syndrome. Also called: Hereditary neoplastic syndrome; Neoplastic Syndromes, Hereditary; Tumor predisposition; Hereditary Cancer Syndrome. Identifiers: Orphanet 140162, MedGen C0027672, MeSH D009386, MONDO:0015356.

Allele frequency attached by ClinVar (database versions not stated): gnomAD exomes below 0.00001; TOPMed below 0.00001; gnomAD 0.00001.
gnomAD v4.1: 2 of 1,613,958 alleles (0.00012%); highest among the groups gnomAD compares: African/African-American, 0.0013%; no homozygotes.

Submissions (3):

Labcorp Genetics (formerly Invitae), Labcorp
Classification: Likely benign for Juvenile polyposis syndrome. Last evaluated: 2026-01-13. Review status: criteria provided, single submitter. Criteria: Invitae Variant Classification Sherloc (09022015). Collection method: clinical testing. Allele origin: germline.

Myriad Genetics, Inc.
Classification: Benign for Juvenile polyposis syndrome. Last evaluated: 2024-07-31. Review status: criteria provided, single submitter. Criteria: Myriad Autosomal Dominant, Autosomal Recessive and X-Linked Classification Criteria (2023). Collection method: clinical testing. Allele origin: unknown.
Comment: This variant is considered benign. This variant is a silent/synonymous amino acid change and it is not expected to impact splicing.

Ambry Genetics
Classification: Likely benign for Hereditary cancer-predisposing syndrome. Last evaluated: 2016-07-07. Review status: criteria provided, single submitter. Criteria: Ambry Variant Classification Scheme 2023. Collection method: clinical testing. Allele origin: germline.

NM_004329.3(BMPR1A):c.285A>G (p.Thr95=)

Gene: BMPR1A (bone morphogenetic protein receptor type 1A; plus strand). Cytogenetic location: 10q23.2.
Variant type: single nucleotide variant.
Coding change: c.285A>G on transcript NM_004329.3 (MANE Select); coding-DNA position 285, A replaced by G.
Protein change: p.Thr95=; no amino-acid change (threonine 95 retained).
Molecular consequence: synonymous variant.
Genome position (GRCh38, 1-based): chr10:86,892,181, A>G. VCF-style: chr10-86892181-A-G. GRCh37 (hg19) VCF-style: chr10-88651938-A-G.
Identifiers: ClinVar variation 485369 (VCV000485369.15), dbSNP rs1473234057, ClinGen allele CA470305109.
Genomic context (GRCh38, chr10:86,892,181, plus strand): 5'-TTTTAGAACTAATGGACATTGCTTTGCCATCATAGAAGAAGATGACCAGGGAGAAACCAC[A>G]TTAGCTTCAGGGTGTATGAAATATGAAGGATCTGATTTTCAGTGCAAAGTAAGATATAAT-3'
Protein context (NP_004320.2, residues 85-105): IIEEDDQGET[Thr95=]LASGCMKYEG